The following is an entry in ClinVar:

NM_182961.4(SYNE1):c.1263G>A (p.Ala421=)

Gene: SYNE1 (spectrin repeat containing nuclear envelope protein 1; minus strand). Cytogenetic location: 6q25.2.
Variant type: single nucleotide variant.
Coding change: c.1263G>A on transcript NM_182961.4 (MANE Select); coding-DNA position 1263, G replaced by A.
Protein change: p.Ala421=; no amino-acid change (alanine 421 retained).
Molecular consequence: synonymous variant.
Genome position (GRCh38, 1-based): chr6:152,483,172, C>T on the plus strand (G>A on the coding strand, the complement: SYNE1 is on the minus strand). VCF-style: chr6-152483172-C-T. GRCh37 (hg19) VCF-style: chr6-152804307-C-T.
Other names: c.1284G>A, p.Ala428= (NM_033071.5).
Identifiers: ClinVar variation 391113 (VCV000391113.1), dbSNP rs949049150, ClinGen allele CA16605001.

ClinVar aggregate classification (germline): Likely benign (1 of 4 stars; one submission).

Allele frequency attached by ClinVar (database versions not stated): TOPMed 0.00004.
gnomAD v4.1: 15 of 1,614,020 alleles (0.00093%); highest among the groups gnomAD compares: Middle Eastern, 0.016%; no homozygotes.

Submission:

GeneDx
Classification: Likely benign. Last evaluated: 2016-12-02. Review status: criteria provided, single submitter. Criteria: GeneDx Variant Classification (06012015). Collection method: clinical testing. Allele origin: germline. Affected: yes.
Comment: This variant is considered likely benign or benign based on one or more of the following criteria: it is a conservative change, it occurs at a poorly conserved position in the protein, it is predicted to be benign by multiple in silico algorithms, and/or has population frequency not consistent with disease.